The following is an entry in ClinVar:

ClinVar aggregate classification (germline): Uncertain significance (1 of 4 stars; one submission).

gnomAD v4.1: 1 of 1,614,130 alleles (0.000062%); highest among the groups gnomAD compares: Admixed American, 0.0017%; no homozygotes.

Submission:

GeneDx
Classification: Uncertain significance. Last evaluated: 2024-07-18. Review status: criteria provided, single submitter. Criteria: GeneDx Variant Classification Process June 2021. Collection method: clinical testing. Allele origin: germline. Affected: yes.
Comment: Not observed at significant frequency in large population cohorts (gnomAD); In silico analysis indicates that this missense variant does not alter protein structure/function; Has not been previously published as pathogenic or benign to our knowledge

NM_001457.4(FLNB):c.4054G>C (p.Val1352Leu)

Gene: FLNB (filamin B; plus strand). Cytogenetic location: 3p14.3.
Variant type: single nucleotide variant.
Coding change: c.4054G>C on transcript NM_001457.4 (MANE Select); coding-DNA position 4054, G replaced by C.
Protein change: p.Val1352Leu; replaces valine 1352 with leucine.
Molecular consequence: missense variant.
Genome position (GRCh38, 1-based): chr3:58,125,736, G>C. VCF-style: chr3-58125736-G-C. GRCh37 (hg19) VCF-style: chr3-58111463-G-C.
Other names: c.4054G>C, p.Val1352Leu (NM_001164317.2, NM_001164318.2, NM_001164319.2); short protein forms V1352L.
Identifiers: ClinVar variation 3573480 (VCV003573480.1).